The following is an entry in ClinVar:

NM_001018005.1(TPM1):c.-509C>A

Gene: TPM1 (tropomyosin 1; plus strand). Cytogenetic location: 15q22.2.
Variant type: single nucleotide variant.
Coding change: c.-509C>A on transcript NM_001018005.1; 509 bases upstream of the start codon, C replaced by A.
Genome position (GRCh38, 1-based): chr15:63,042,321, C>A. VCF-style: chr15-63042321-C-A. GRCh37 (hg19) VCF-style: chr15-63334520-C-A.
Identifiers: ClinVar variation 668727 (VCV000668727.3), dbSNP rs3809567, ClinGen allele CA14103799.
Genomic context (GRCh38, chr15:63,042,321, plus strand): 5'-GCCCCCGGGCCTTTGGCTAAGCGCGCCGGGGGACGGCACAGGGGGGCGACGCGCATCCAC[C>A]ACCTGGTCCGCGCTCTCCCGGCCTCCGGCAGCTCAGGGCGGGCTCGGTTGGGGACCCTAA-3'

ClinVar aggregate classification (germline): Benign (1 of 4 stars; one submission).

Allele frequency attached by ClinVar (database versions not stated): gnomAD 0.12246 and 0.11181; 1000 Genomes Project 0.21026; 1000 Genomes Project 30x 0.20394; TOPMed 0.12842.

Submission:

GeneDx
Classification: Benign. Last evaluated: 2018-06-19. Review status: criteria provided, single submitter. Criteria: GeneDx Variant Classification (06012015). Collection method: clinical testing. Allele origin: germline. Affected: yes.
Comment: This variant is considered likely benign or benign based on one or more of the following criteria: it is a conservative change, it occurs at a poorly conserved position in the protein, it is predicted to be benign by multiple in silico algorithms, and/or has population frequency not consistent with disease.